The following is an entry in ClinVar:

NM_000287.4(PEX6):c.140C>A (p.Pro47Gln)

Gene: PEX6 (peroxisomal biogenesis factor 6; minus strand). Cytogenetic location: 6p21.1.
Variant type: single nucleotide variant.
Coding change: c.140C>A on transcript NM_000287.4 (MANE Select); coding-DNA position 140, C replaced by A.
Protein change: p.Pro47Gln; replaces proline 47 with glutamine.
Molecular consequence: missense variant. On other transcripts: non-coding transcript variant (1).
Genome position (GRCh38, 1-based): chr6:42,979,011, G>T on the plus strand (C>A on the coding strand, the complement: PEX6 is on the minus strand). VCF-style: chr6-42979011-G-T. GRCh37 (hg19) VCF-style: chr6-42946749-G-T.
Other names: c.140C>A, p.Pro47Gln (NM_001316313.2); short protein forms P47Q.
Identifiers: ClinVar variation 1469497 (VCV001469497.8), dbSNP rs1299683224, ClinGen allele CA364168827.
Genomic context (GRCh38, chr6:42,979,011, plus strand): 5'-TGCTCTTCGGTGCCCGCGTCCGGCCCCTCCAGGGCTGCCACCAGCAGCGCCGGCCCTGCC[G>T]GGCTCTCCCCTGCAGGCCTCAGGGCCAGCACCAGGCCCAGCTCCGCCGCCGGCCACGGGC-3'
Protein context (NP_000278.3, residues 37-57): VLALRPAGES[Pro47Gln]AGPALLVAAL

ClinVar aggregate classification (germline): Uncertain significance (1 of 4 stars; one submission).

Conditions:
Peroxisome biogenesis disorder. Identifiers: Orphanet 79189, MedGen C1832200, MONDO:0019234. Disease mechanism: loss of function.

gnomAD v4.1: 1 of 1,518,404 alleles (0.000066%); no homozygotes.

Submission:

Labcorp Genetics (formerly Invitae), Labcorp
Classification: Uncertain significance for Peroxisome biogenesis disorder. Last evaluated: 2022-06-03. Review status: criteria provided, single submitter. Criteria: Invitae Variant Classification Sherloc (09022015). Collection method: clinical testing. Allele origin: germline.
Comment: ClinVar contains an entry for this variant (Variation ID: 1469497). This sequence change replaces proline, which is neutral and non-polar, with glutamine, which is neutral and polar, at codon 47 of the PEX6 protein (p.Pro47Gln). This variant is not present in population databases (gnomAD no frequency). This variant has not been reported in the literature in individuals affected with PEX6-related conditions. Algorithms developed to predict the effect of missense changes on protein structure and function are either unavailable or do not agree on the potential impact of this missense change (SIFT: "Tolerated"; PolyPhen-2: "Probably Damaging"; Align-GVGD: "Class C0"). In summary, the available evidence is currently insufficient to determine the role of this variant in disease. Therefore, it has been classified as a Variant of Uncertain Significance.